The following is an entry in ClinVar:

NM_013296.5(GPSM2):c.1034C>G (p.Ala345Gly)

Gene: GPSM2 (G protein signaling modulator 2; plus strand). Cytogenetic location: 1p13.3.
Variant type: single nucleotide variant.
Coding change: c.1034C>G on transcript NM_013296.5 (MANE Select); coding-DNA position 1034, C replaced by G.
Protein change: p.Ala345Gly; replaces alanine 345 with glycine.
Molecular consequence: missense variant.
Genome position (GRCh38, 1-based): chr1:108,903,206, C>G. VCF-style: chr1-108903206-C-G. GRCh37 (hg19) VCF-style: chr1-109445828-C-G.
Other names: c.1034C>G, p.Ala345Gly (NM_001321038.2, NM_001321039.3); short protein forms A345G.
Identifiers: ClinVar variation 505415 (VCV000505415.8), dbSNP rs765450533, ClinGen allele CA341464974.

ClinVar aggregate classification (germline): Uncertain significance. Review status: criteria provided, multiple submitters, no conflicts (2 of 4 stars). 2 submissions from 2 submitters: Uncertain significance (2). Last evaluated 2018-01-13.

Conditions:
Chudley-McCullough syndrome (CMCS). Also called: DEAFNESS, SENSORINEURAL, WITH PARTIAL AGENESIS OF THE CORPUS CALLOSUM AND ARACHNOID CYSTS; Deafness, autosomal recessive 82. Identifiers: Orphanet 314597, MedGen C1858695, MONDO:0011411, OMIM 604213.

Allele frequency attached by ClinVar (database versions not stated): gnomAD 0.00001; TOPMed 0.00002.

Submissions (2):

Illumina Laboratory Services, Illumina
Classification: Uncertain significance for Chudley-McCullough syndrome. Last evaluated: 2018-01-13. Review status: criteria provided, single submitter. Criteria: ICSL Variant Classification Criteria 13 December 2019. Collection method: clinical testing. Allele origin: germline.

Laboratory for Molecular Medicine, Mass General Brigham Personalized Medicine
Classification: Uncertain significance. Last evaluated: 2016-11-30. Review status: criteria provided, single submitter. Criteria: LMM Criteria. Collection method: clinical testing. Allele origin: germline. Observed: 1 variant allele.
Comment: The p.Ala345Gly variant in GPSM2 has not been previously reported in individuals with hearing loss or in large population studies. Computational prediction tool s and conservation analysis do not provide strong support for or against an impa ct to the protein. In summary, the clinical significance of the p.Ala345Gly vari ant is uncertain.